The following is an entry in ClinVar:

NM_006567.5(FARS2):c.519G>C (p.Val173=)

Genes: FARS2 (phenylalanyl-tRNA synthetase 2, mitochondrial; plus strand), LOC126859565 (CDK7 strongly-dependent group 2 enhancer GRCh37_chr6:5368745-5369944; plus strand). Cytogenetic location: 6p25.1.
Variant type: single nucleotide variant.
Coding change: c.519G>C on transcript NM_006567.5 (MANE Select); coding-DNA position 519, G replaced by C.
Protein change: p.Val173=; no amino-acid change (valine 173 retained).
Molecular consequence: synonymous variant. On other transcripts: intron variant (2).
Genome position (GRCh38, 1-based): chr6:5,369,089, G>C. VCF-style: chr6-5369089-G-C. GRCh37 (hg19) VCF-style: chr6-5369322-G-C.
Other names: c.519G>C, p.Val173= (NM_001318872.2, NM_001374875.1, NM_001374876.1 and 5 more transcripts); c.-340-27544G>C (NM_001375260.1); c.-84-35453G>C (NM_001375259.1).
Identifiers: ClinVar variation 377851 (VCV000377851.6), dbSNP rs147754364, ClinGen allele CA3623664.

ClinVar aggregate classification (germline): Benign/Likely benign. Review status: criteria provided, multiple submitters, no conflicts (2 of 4 stars). 2 submissions from 2 submitters: Benign (1); Likely benign (1). Last evaluated 2025-10-28.

Conditions:
Combined oxidative phosphorylation defect type 14. Also called: Combined oxidative phosphorylation deficiency 14. Identifiers: Orphanet 319519, MedGen C4755312, MONDO:0013986, OMIM 614946.

Allele frequency attached by ClinVar (database versions not stated): gnomAD 0.00003 and 0.00002; gnomAD exomes 0.00004; 1000 Genomes Project 30x 0.00016; 1000 Genomes Project 0.00020; ExAC 0.00002; TOPMed 0.00002.
gnomAD v4.1: 16 of 1,613,908 alleles (0.00099%); highest among the groups gnomAD compares: East Asian, 0.027%; no homozygotes.

Submissions (2):

Labcorp Genetics (formerly Invitae), Labcorp
Classification: Likely benign for Combined oxidative phosphorylation defect type 14. Last evaluated: 2025-10-28. Review status: criteria provided, single submitter. Criteria: Invitae Variant Classification Sherloc (09022015). Collection method: clinical testing. Allele origin: germline.

GeneDx
Classification: Benign. Last evaluated: 2015-07-21. Review status: criteria provided, single submitter. Criteria: GeneDx Variant Classification (06012015). Collection method: clinical testing. Allele origin: germline. Affected: yes.
Comment: This variant is considered likely benign or benign based on one or more of the following criteria: it is a conservative change, it occurs at a poorly conserved position in the protein, it is predicted to be benign by multiple in silico algorithms, and/or has population frequency not consistent with disease.